The following is an entry in ClinVar:

ClinVar aggregate classification (germline): Uncertain significance (1 of 4 stars; one submission).

Conditions:
Early Myoclonic Encephalopathy. Identifiers: MedGen C0270855.

gnomAD v4.1: 26 of 1,611,014 alleles (0.0016%); highest among the groups gnomAD compares: Non-Finnish European, 0.0022%; no homozygotes.

Submission:

Labcorp Genetics (formerly Invitae), Labcorp
Classification: Uncertain significance for Early Myoclonic Encephalopathy. Last evaluated: 2025-01-22. Review status: criteria provided, single submitter. Criteria: Invitae Variant Classification Sherloc (09022015). Collection method: clinical testing. Allele origin: germline.
Comment: This sequence change replaces isoleucine, which is neutral and non-polar, with methionine, which is neutral and non-polar, at codon 1808 of the JMJD1C protein (p.Ile1808Met). This variant is not present in population databases (gnomAD no frequency). This variant has not been reported in the literature in individuals affected with JMJD1C-related conditions. Invitae Evidence Modeling of protein sequence and biophysical properties (such as structural, functional, and spatial information, amino acid conservation, physicochemical variation, residue mobility, and thermodynamic stability) indicates that this missense variant is expected to disrupt JMJD1C protein function with a positive predictive value of 80%. In summary, the available evidence is currently insufficient to determine the role of this variant in disease. Therefore, it has been classified as a Variant of Uncertain Significance.

NM_032776.3(JMJD1C):c.5424A>G (p.Ile1808Met)

Gene: JMJD1C (jumonji domain containing 1C; minus strand). Cytogenetic location: 10q21.3.
Variant type: single nucleotide variant.
Coding change: c.5424A>G on transcript NM_032776.3 (MANE Select); coding-DNA position 5424, A replaced by G.
Protein change: p.Ile1808Met; replaces isoleucine 1808 with methionine.
Molecular consequence: missense variant. On other transcripts: non-coding transcript variant (1).
Genome position (GRCh38, 1-based): chr10:63,198,580, T>C on the plus strand (A>G on the coding strand, the complement: JMJD1C is on the minus strand). VCF-style: chr10-63198580-T-C. GRCh37 (hg19) VCF-style: chr10-64958340-T-C.
Other names: c.4560A>G, p.Ile1520Met (NM_001318153.2); c.4878A>G, p.Ile1626Met (NM_001318154.2, NM_001282948.2); c.5310A>G, p.Ile1770Met (NM_001322252.2); c.4767A>G, p.Ile1589Met (NM_001322254.2, NM_001322258.2); short protein forms I1770M, I1808M, I1520M, I1589M, I1626M.
Identifiers: ClinVar variation 3729890 (VCV003729890.2).